The following is an entry in ClinVar:

ClinVar aggregate classification (germline): Uncertain significance (1 of 4 stars; one submission).

Conditions:
Charcot-Marie-Tooth disease type 4. Also called: Charcot-Marie-Tooth, Type 4; Charcot-Marie-Tooth disease, type IV. Identifiers: Orphanet 64749, MedGen C4082197, MONDO:0018995.

Allele frequency attached by ClinVar (database versions not stated): gnomAD exomes below 0.00001; TOPMed below 0.00001; gnomAD 0.00001.
gnomAD v4.1: 2 of 1,613,938 alleles (0.00012%); highest among the groups gnomAD compares: Non-Finnish European, 0.00017%; no homozygotes.

Submission:

Labcorp Genetics (formerly Invitae), Labcorp
Classification: Uncertain significance for Charcot-Marie-Tooth disease type 4. Last evaluated: 2018-10-08. Review status: criteria provided, single submitter. Criteria: Invitae Variant Classification Sherloc (09022015). Collection method: clinical testing. Allele origin: germline.
Comment: In summary, the available evidence is currently insufficient to determine the role of this variant in disease. Therefore, it has been classified as a Variant of Uncertain Significance. Algorithms developed to predict the effect of missense changes on protein structure and function (SIFT, PolyPhen-2, Align-GVGD) all suggest that this variant is likely to be tolerated, but these predictions have not been confirmed by published functional studies and their clinical significance is uncertain. This variant has not been reported in the literature in individuals with SBF2-related disease. This variant is not present in population databases (ExAC no frequency). This sequence change replaces asparagine with histidine at codon 1402 of the SBF2 protein (p.Asn1402His). The asparagine residue is weakly conserved and there is a small physicochemical difference between asparagine and histidine.

NM_030962.4(SBF2):c.4204A>C (p.Asn1402His)

Genes: SBF2 (SET binding factor 2; minus strand), SBF2-AS1 (SBF2 antisense RNA 1; plus strand). Cytogenetic location: 11p15.4.
Variant type: single nucleotide variant.
Coding change: c.4204A>C on transcript NM_030962.4 (MANE Select); coding-DNA position 4204, A replaced by C.
Protein change: p.Asn1402His; replaces asparagine 1402 with histidine.
Molecular consequence: missense variant. On other transcripts: non-coding transcript variant (1).
Genome position (GRCh38, 1-based): chr11:9,808,954, T>G on the plus strand (A>C on the coding strand, the complement: SBF2 is on the minus strand). VCF-style: chr11-9808954-T-G. GRCh37 (hg19) VCF-style: chr11-9830501-T-G.
Other names: c.4300A>C, p.Asn1434His (NM_001386339.1); c.4075A>C, p.Asn1359His (NM_001386342.1); short protein forms N1402H, N1359H, N1434H.
Identifiers: ClinVar variation 644028 (VCV000644028.7), dbSNP rs1590132478, ClinGen allele CA379642207.